The following is an entry in ClinVar:

ClinVar aggregate classification (germline): Uncertain significance (1 of 4 stars; one submission).

Conditions:
Birt-Hogg-Dube syndrome. Also called: Birt Hogg Dubé syndrome. Identifiers: Orphanet 122, MedGen C0346010, MONDO:0800444.

Submission:

Labcorp Genetics (formerly Invitae), Labcorp
Classification: Uncertain significance for Birt-Hogg-Dube syndrome. Last evaluated: 2021-09-19. Review status: criteria provided, single submitter. Criteria: Invitae Variant Classification Sherloc (09022015). Collection method: clinical testing. Allele origin: germline.
Comment: In summary, the available evidence is currently insufficient to determine the role of this variant in disease. Therefore, it has been classified as a Variant of Uncertain Significance. Algorithms developed to predict the effect of sequence changes on RNA splicing suggest that this variant may create or strengthen a splice site. Algorithms developed to predict the effect of missense changes on protein structure and function are either unavailable or do not agree on the potential impact of this missense change (SIFT: "Tolerated"; PolyPhen-2: "Possibly Damaging"; Align-GVGD: "Class C0"). This variant has not been reported in the literature in individuals affected with FLCN-related conditions. This variant is not present in population databases (ExAC no frequency). This sequence change replaces leucine with methionine at codon 25 of the FLCN protein (p.Leu25Met). The leucine residue is moderately conserved and there is a small physicochemical difference between leucine and methionine.

NM_144997.7(FLCN):c.73C>A (p.Leu25Met)

Gene: FLCN (folliculin; minus strand). Cytogenetic location: 17p11.2.
Variant type: single nucleotide variant.
Coding change: c.73C>A on transcript NM_144997.7 (MANE Select); coding-DNA position 73, C replaced by A.
Protein change: p.Leu25Met; replaces leucine 25 with methionine.
Molecular consequence: missense variant.
Genome position (GRCh38, 1-based): chr17:17,228,065, G>T on the plus strand (C>A on the coding strand, the complement: FLCN is on the minus strand). VCF-style: chr17-17228065-G-T. GRCh37 (hg19) VCF-style: chr17-17131379-G-T.
Other names: c.73C>A, p.Leu25Met (NM_001353229.2, NM_001353230.2, NM_001353231.2 and 1 more transcripts); short protein forms L25M.
Identifiers: ClinVar variation 1382190 (VCV001382190.6), dbSNP rs967684437, ClinGen allele CA398535384.